The following is an entry in ClinVar:

NM_002473.6(MYH9):c.1259C>T (p.Ala420Val)

Gene: MYH9 (myosin heavy chain 9; minus strand). Cytogenetic location: 22q12.3.
Variant type: single nucleotide variant.
Coding change: c.1259C>T on transcript NM_002473.6 (MANE Select); coding-DNA position 1259, C replaced by T.
Protein change: p.Ala420Val; replaces alanine 420 with valine.
Molecular consequence: missense variant.
Genome position (GRCh38, 1-based): chr22:36,316,638, G>A on the plus strand (C>T on the coding strand, the complement: MYH9 is on the minus strand). VCF-style: chr22-36316638-G-A. GRCh37 (hg19) VCF-style: chr22-36712683-G-A.
Other names: short protein forms A420V.
Identifiers: ClinVar variation 4856910 (VCV004856910.3).

ClinVar aggregate classification (germline): Uncertain significance. Review status: criteria provided, multiple submitters, no conflicts (2 of 4 stars). 2 submissions from 2 submitters: Uncertain significance (2). Last evaluated 2026-02-19.

Conditions:
MYH9-related disorder. Identifiers: MedGen C1854520.

gnomAD v4.1: 4 of 1,614,008 alleles (0.00025%); highest among the groups gnomAD compares: East Asian, 0.0022%; no homozygotes.

Submissions (2):

Dasa
Classification: Uncertain significance. Last evaluated: 2026-02-19. Review status: criteria provided, single submitter. Criteria: DASA Assertion Criteria. Collection method: clinical testing. Allele origin: germline.
Comment: NM_002473.6(MYH9):c.1259C>T (p.Ala420Val) is a missense variant that results in the substitution of alanine with valine. This variant is rare in population databases. Computational prediction algorithms are consistent with a deleterious effect. The currently available literature and clinical evidence are not sufficient to establish a definitive association between this variant and the reported condition. Therefore, this variant is classified as a variant of uncertain significance.

PreventionGenetics, part of Exact Sciences
Classification: Uncertain significance for MYH9-related condition. Last evaluated: 2026-01-29. Review status: criteria provided, single submitter. Criteria: ACMG Guidelines, 2015. Collection method: clinical testing. Allele origin: germline.
Comment: The MYH9 c.1259C>T variant is predicted to result in the amino acid substitution p.Ala420Val. To our knowledge, this variant has not been reported in the literature or in a large population database (gnomAD), indicating this variant is rare. At this time, the clinical significance of this variant is uncertain due to the absence of conclusive functional and genetic evidence.